The following is an entry in ClinVar:

ClinVar aggregate classification (germline): Uncertain significance (1 of 4 stars; one submission).

Allele frequency attached by ClinVar (database versions not stated): gnomAD exomes 0.00001.
gnomAD v4.1: 16 of 1,537,622 alleles (0.001%); highest among the groups gnomAD compares: Non-Finnish European, 0.0014%; no homozygotes.

Submission:

GeneDx
Classification: Uncertain significance. Last evaluated: 2019-11-04. Review status: criteria provided, single submitter. Criteria: GeneDx Variant Classification Process June 2021. Collection method: clinical testing. Allele origin: germline. Affected: yes.
Comment: Not observed at a significant frequency in large population cohorts (Lek et al., 2016); In silico analysis, which includes protein predictors and evolutionary conservation, supports a deleterious effect; Has not been previously published as pathogenic or benign to our knowledge

NM_001163809.2(WDR81):c.1307A>C (p.His436Pro)

Gene: WDR81 (WD repeat domain 81; plus strand). Cytogenetic location: 17p13.3.
Variant type: single nucleotide variant.
Coding change: c.1307A>C on transcript NM_001163809.2 (MANE Select); coding-DNA position 1307, A replaced by C.
Protein change: p.His436Pro; replaces histidine 436 with proline.
Molecular consequence: missense variant. On other transcripts: intron variant (3).
Genome position (GRCh38, 1-based): chr17:1,726,266, A>C. VCF-style: chr17-1726266-A-C. GRCh37 (hg19) VCF-style: chr17-1629560-A-C.
Other names: c.-123-1724A>C (NM_152348.4); c.59-4114A>C (NM_001163673.2); c.-15+1480A>C (NM_001163811.2); short protein forms H436P.
Identifiers: ClinVar variation 1304926 (VCV001304926.2), dbSNP rs1401589161, ClinGen allele CA397587996.